The following is an entry in ClinVar:

ClinVar aggregate classification (germline): Pathogenic (1 of 4 stars; one submission).

Conditions:
Bifunctional peroxisomal enzyme deficiency (DBIF). Also called: DBP DEFICIENCY; PBFE DEFICIENCY; D-bifunctional protein deficiency. Identifiers: Orphanet 300, MedGen C0342870, MONDO:0009855, OMIM 261515. Disease mechanism: loss of function.
Perrault syndrome. Also called: Gonadal dysgenesis with auditory dysfunction, autosomal recessive inheritance. Identifiers: Orphanet 2855, MedGen C0685838, MONDO:0017312.

Submission:

Labcorp Genetics (formerly Invitae), Labcorp
Classification: Pathogenic for Perrault syndrome; Bifunctional peroxisomal enzyme deficiency. Last evaluated: 2022-09-23. Review status: criteria provided, single submitter. Criteria: Invitae Variant Classification Sherloc (09022015). Collection method: clinical testing. Allele origin: germline.
Comment: This variant has not been reported in the literature in individuals affected with HSD17B4-related conditions. For these reasons, this variant has been classified as Pathogenic. This variant is not present in population databases (gnomAD no frequency). This sequence change creates a premature translational stop signal (p.Gln286Argfs*10) in the HSD17B4 gene. It is expected to result in an absent or disrupted protein product. Loss-of-function variants in HSD17B4 are known to be pathogenic (PMID: 11810648, 16385454).

Literature cited by the submitters: PubMed 11810648; PubMed 16385454.

NM_000414.4(HSD17B4):c.857del (p.Gln286fs)

Gene: HSD17B4 (hydroxysteroid 17-beta dehydrogenase 4; plus strand). Cytogenetic location: 5q23.1.
Variant type: Deletion.
Coding change: c.857del on transcript NM_000414.4 (MANE Select); coding-DNA position 857, one base deleted (A; older notation c.857delA).
Protein change: p.Gln286fs; shifts the reading frame from glutamine 286.
Molecular consequence: frameshift variant. On other transcripts: non-coding transcript variant (2).
Genome position (GRCh38, 1-based): chr5:119,493,935, A deleted. VCF-style (leftmost placement, unchanged base first): chr5-119493934-CA-C. GRCh37 (hg19) VCF-style: chr5-118829629-CA-C.
Other names: c.932del, p.Gln311fs (NM_001199291.3); c.803del, p.Gln268fs (NM_001199292.2); c.785del, p.Gln262fs (NM_001292027.2); c.437del, p.Gln146fs (NM_001292028.2); c.848del, p.Gln283fs (NM_001374497.1); c.857del, p.Gln286fs (NM_001374498.1); c.530del, p.Gln177fs (NM_001374499.1); c.416del, p.Gln139fs (NM_001374500.1); and 1 more; short protein forms Q139fs, Q146fs, Q177fs, Q268fs, Q311fs, Q149fs, Q286fs, Q283fs.
Identifiers: ClinVar variation 2032052 (VCV002032052.4), dbSNP rs2531704929, ClinGen allele CA2580072408.